The following is an entry in ClinVar:

ClinVar aggregate classification (germline): Likely benign (1 of 4 stars; one submission).

Submission:

CeGaT Center for Human Genetics Tuebingen
Classification: Likely benign. Last evaluated: 2022-10-01. Review status: criteria provided, single submitter. Criteria: CeGaT Center For Human Genetics Tuebingen Variant Classification Criteria Version 2. Collection method: clinical testing. Allele origin: germline. Affected: yes. Observed: 1 variant allele.
Comment: UBR1: PM2:Supporting, BP4, BP7

NM_174916.3(UBR1):c.876T>C (p.Asn292=)

Gene: UBR1 (ubiquitin protein ligase E3 component n-recognin 1; minus strand). Cytogenetic location: 15q15.2.
Variant type: single nucleotide variant.
Coding change: c.876T>C on transcript NM_174916.3 (MANE Select); coding-DNA position 876, T replaced by C.
Protein change: p.Asn292=; no amino-acid change (asparagine 292 retained).
Molecular consequence: synonymous variant.
Genome position (GRCh38, 1-based): chr15:43,059,811, A>G on the plus strand (T>C on the coding strand, the complement: UBR1 is on the minus strand). VCF-style: chr15-43059811-A-G. GRCh37 (hg19) VCF-style: chr15-43352009-A-G.
Identifiers: ClinVar variation 2645266 (VCV002645266.24), dbSNP rs2543012795, ClinGen allele CA490120352.